The following is an entry in ClinVar:

ClinVar aggregate classification (germline): Uncertain significance. Review status: criteria provided, multiple submitters, no conflicts (2 of 4 stars). 2 submissions from 2 submitters: Uncertain significance (2). Last evaluated 2024-04-24.

Allele frequency attached by ClinVar (database versions not stated): gnomAD 0.00001; TOPMed 0.00001.
gnomAD v4.1: 3 of 1,613,976 alleles (0.00019%); highest among the groups gnomAD compares: South Asian, 0.0011%; no homozygotes.

Submissions (2):

Ambry Genetics
Classification: Uncertain significance. Last evaluated: 2024-04-24. Review status: criteria provided, single submitter. Criteria: Ambry Variant Classification Scheme 2023. Collection method: clinical testing. Allele origin: germline.

Labcorp Genetics (formerly Invitae), Labcorp
Classification: Uncertain significance. Last evaluated: 2022-06-27. Review status: criteria provided, single submitter. Criteria: Invitae Variant Classification Sherloc (09022015). Collection method: clinical testing. Allele origin: germline.
Comment: This sequence change replaces arginine, which is basic and polar, with tryptophan, which is neutral and slightly polar, at codon 196 of the IDH3B protein (p.Arg196Trp). This variant is present in population databases (no rsID available, gnomAD 0.007%). This variant has not been reported in the literature in individuals affected with IDH3B-related conditions. ClinVar contains an entry for this variant (Variation ID: 1007731). Algorithms developed to predict the effect of missense changes on protein structure and function are either unavailable or do not agree on the potential impact of this missense change (SIFT: "Not Available"; PolyPhen-2: "Probably Damaging"; Align-GVGD: "Not Available"). In summary, the available evidence is currently insufficient to determine the role of this variant in disease. Therefore, it has been classified as a Variant of Uncertain Significance.

NM_006899.5(IDH3B):c.586C>T (p.Arg196Trp)

Gene: IDH3B (isocitrate dehydrogenase (NAD(+)) 3 non-catalytic subunit beta; minus strand). Cytogenetic location: 20p13.
Variant type: single nucleotide variant.
Coding change: c.586C>T on transcript NM_006899.5 (MANE Select); coding-DNA position 586, C replaced by T.
Protein change: p.Arg196Trp; replaces arginine 196 with tryptophan.
Molecular consequence: missense variant. On other transcripts: non-coding transcript variant (1).
Genome position (GRCh38, 1-based): chr20:2,660,536, G>A on the plus strand (C>T on the coding strand, the complement: IDH3B is on the minus strand). VCF-style: chr20-2660536-G-A. GRCh37 (hg19) VCF-style: chr20-2641182-G-A.
Other names: c.586C>T, p.Arg196Trp (NM_001258384.3, NM_001330763.2, NM_174855.4); c.586C>T (NM_006899.2); short protein forms R196W.
Identifiers: ClinVar variation 1007731 (VCV001007731.9), dbSNP rs759156747, ClinGen allele CA408037603.
Genomic context (GRCh38, chr20:2,660,536, plus strand): 5'-CAGCAGTGACCTTGCCCCGCCCCTTCTTGGTGGCATAGTCAAAGGCGAACTTTGCAATCC[G>A]CTGAGACTTGGCTCGTGTGACAATCTTCAAACACTCAATCACACCCCTTGCACTCTGGGT-3'
Protein context (NP_008830.2, residues 186-206): LKIVTRAKSQ[Arg196Trp]IAKFAFDYAT